The following is an entry in ClinVar:

NM_001079872.2(CUL4B):c.422A>G (p.Asn141Ser)

Genes: CUL4B (cullin 4B; minus strand), LOC113845788 (Sharpr-MPRA regulatory region 11856; plus strand). Cytogenetic location: Xq24.
Variant type: single nucleotide variant.
Coding change: c.422A>G on transcript NM_001079872.2 (MANE Select); coding-DNA position 422, A replaced by G.
Protein change: p.Asn141Ser; replaces asparagine 141 with serine.
Molecular consequence: missense variant.
Genome position (GRCh38, 1-based): chrX:120,560,217, T>C on the plus strand (A>G on the coding strand, the complement: CUL4B is on the minus strand). VCF-style: chrX-120560217-T-C. GRCh37 (hg19) VCF-style: chrX-119694072-T-C.
Other names: c.437A>G, p.Asn146Ser (NM_001330624.2); c.476A>G, p.Asn159Ser (NM_003588.4); short protein forms N159S, N146S, N141S.
Identifiers: ClinVar variation 372872 (VCV000372872.1), dbSNP rs1057518039, ClinGen allele CA16043210.

ClinVar aggregate classification (germline): Likely pathogenic (1 of 4 stars; one submission).

Submission:

GeneDx
Classification: Likely pathogenic. Last evaluated: 2016-01-19. Review status: criteria provided, single submitter. Criteria: GeneDx Variant Classification (06012015). Collection method: clinical testing. Allele origin: germline. Affected: yes.
Comment: The N159S variant in the CUL4B gene has not been reported previously as a pathogenic variant, nor as a benign variant, to our knowledge. This variant was not observed in approximately 6500 individuals of European and African American ancestry in the NHLBI Exome Sequencing Project, indicating it is not a common benign variant in these populations. The N159S variant is a conservative amino acid substitution, which is not likely to impact secondary protein structure as these residues share similar properties. This substitution occurs at a position that is not conserved, and in silico analysis predicts this variant likely does not alter the protein structure/function. However, as an alternate mechanism, some splice predictor models indicate that this sequence change may create a new cryptic splice donor site in exon #3, which may cause abnormal gene splicing, although in the absence of RNA/functional studies, the actual effect of this sequence change in this individual is unknown. The N159S variant is a strong candidate for a pathogenic variant.